The following is an entry in ClinVar:

ClinVar aggregate classification (germline): Uncertain significance (1 of 4 stars; one submission).

Submission:

Women's Health and Genetics/Laboratory Corporation of America, LabCorp
Classification: Uncertain significance. Last evaluated: 2023-10-27. Review status: criteria provided, single submitter. Criteria: LabCorp Variant Classification Summary - May 2015. Collection method: clinical testing. Allele origin: germline.
Comment: Variant summary: The variant identified by MLPA or other technology involves the duplication of exons 1-7 in the PRPH gene. A presumed nomenclature of c.(?_-55)_(1267+1_1268-1)dup has been designated for the purposes of this classification. It has been assumed that this is a tandem duplication in direct orientation (Richardson_GIM_2018, Newman_AJHG_2015). Although exact breakpoints of this duplication are not known, it is expected to result in a large duplication change in the PRPH gene, involving the initiation codon. Similar variant allele was found at a frequency of 0.0027 in 21688 control chromosomes in the gnomAD database, including 2 homozygotes (gnomAD database Structural Variants dataset). To our knowledge, no occurrence of c.(?_-55)_(1267+1_1268-1)dup in individuals affected with Amyotrophic Lateral Sclerosis Type 1 and no experimental evidence demonstrating its impact on protein function have been reported. No submitters have cited clinical-significance assessments for this variant to ClinVar after 2014. Based on the evidence outlined above, the variant was classified as VUS-possibly benign.

NC_000012.11:g.(?_49688929)_(49691510_49691740)dup

Gene: PRPH (peripherin; plus strand). Cytogenetic location: 12q13.12.
Variant type: Duplication.
Identifiers: ClinVar variation 2637522 (VCV002637522.1).